The following is an entry in ClinVar:

ClinVar aggregate classification (germline): Uncertain significance (1 of 4 stars; one submission).

Allele frequency attached by ClinVar (database versions not stated): ExAC 0.00001; gnomAD exomes 0.00001.
gnomAD v4.1: 5 of 1,614,132 alleles (0.00031%); highest among the groups gnomAD compares: Non-Finnish European, 0.00042%; no homozygotes.

Submission:

Labcorp Genetics (formerly Invitae), Labcorp
Classification: Uncertain significance. Last evaluated: 2019-11-28. Review status: criteria provided, single submitter. Criteria: Invitae Variant Classification Sherloc (09022015). Collection method: clinical testing. Allele origin: germline.
Comment: This sequence change replaces isoleucine with threonine at codon 1463 of the COL2A1 protein (p.Ile1463Thr). The isoleucine residue is moderately conserved and there is a moderate physicochemical difference between isoleucine and threonine. This variant is present in population databases (rs748077700, ExAC 0.001%). In summary, the available evidence is currently insufficient to determine the role of this variant in disease. Therefore, it has been classified as a Variant of Uncertain Significance. Algorithms developed to predict the effect of missense changes on protein structure and function are either unavailable or do not agree on the potential impact of this missense change (SIFT: "Deleterious"; PolyPhen-2: "Not Available"; Align-GVGD: "Class C25"). This variant has not been reported in the literature in individuals with COL2A1-related conditions.

NM_001844.5(COL2A1):c.4388T>C (p.Ile1463Thr)

Gene: COL2A1 (collagen type II alpha 1 chain; minus strand). Cytogenetic location: 12q13.11.
Variant type: single nucleotide variant.
Coding change: c.4388T>C on transcript NM_001844.5 (MANE Select); coding-DNA position 4388, T replaced by C.
Protein change: p.Ile1463Thr; replaces isoleucine 1463 with threonine.
Molecular consequence: missense variant.
Genome position (GRCh38, 1-based): chr12:47,973,483, A>G on the plus strand (T>C on the coding strand, the complement: COL2A1 is on the minus strand). VCF-style: chr12-47973483-A-G. GRCh37 (hg19) VCF-style: chr12-48367266-A-G.
Other names: c.4181T>C, p.Ile1394Thr (NM_033150.3); short protein forms I1463T, I1394T.
Identifiers: ClinVar variation 856131 (VCV000856131.9), dbSNP rs748077700, ClinGen allele CA6534466.